The following is an entry in ClinVar:

ClinVar aggregate classification (germline): Uncertain significance (1 of 4 stars; one submission).

Conditions:
Cardiovascular phenotype. Identifiers: MedGen CN230736.
Hereditary cancer-predisposing syndrome. Also called: Neoplastic Syndromes, Hereditary; Tumor predisposition; Hereditary Cancer Syndrome; Hereditary neoplastic syndrome. Identifiers: Orphanet 140162, MedGen C0027672, MeSH D009386, MONDO:0015356.

Submission:

Ambry Genetics
Classification: Uncertain significance for Cardiovascular phenotype; Hereditary cancer-predisposing syndrome. Last evaluated: 2026-04-28. Review status: criteria provided, single submitter. Criteria: Ambry Variant Classification Scheme 2023. Collection method: clinical testing. Allele origin: germline.
Comment: The p.R790L variant (also known as c.2369G>T), located in coding exon 20 of the LZTR1 gene, results from a G to T substitution at nucleotide position 2369. The arginine at codon 790 is replaced by leucine, an amino acid with dissimilar properties. This amino acid position is conserved. In addition, the in silico prediction for this alteration is inconclusive. Based on the available evidence, the clinical significance of this variant remains unclear.

NM_006767.4(LZTR1):c.2369G>T (p.Arg790Leu)

Gene: LZTR1 (leucine zipper like post translational regulator 1; plus strand). Cytogenetic location: 22q11.21.
Variant type: single nucleotide variant.
Coding change: c.2369G>T on transcript NM_006767.4 (MANE Select); coding-DNA position 2369, G replaced by T.
Protein change: p.Arg790Leu; replaces arginine 790 with leucine.
Molecular consequence: missense variant.
Genome position (GRCh38, 1-based): chr22:20,996,929, G>T. VCF-style: chr22-20996929-G-T. GRCh37 (hg19) VCF-style: chr22-21351218-G-T.
Other names: short protein forms R790L.
Identifiers: ClinVar variation 4859396 (VCV004859396.1).